The following is an entry in ClinVar:

NM_001242896.3(DEPDC5):c.4739G>A (p.Cys1580Tyr)

Gene: DEPDC5 (DEP domain containing 5, GATOR1 subcomplex subunit; plus strand). Cytogenetic location: 22q12.3.
Variant type: single nucleotide variant.
Coding change: c.4739G>A on transcript NM_001242896.3 (MANE Select); coding-DNA position 4739, G replaced by A.
Protein change: p.Cys1580Tyr; replaces cysteine 1580 with tyrosine.
Molecular consequence: missense variant. On other transcripts: non-coding transcript variant (5).
Genome position (GRCh38, 1-based): chr22:31,906,424, G>A. VCF-style: chr22-31906424-G-A. GRCh37 (hg19) VCF-style: chr22-32302410-G-A.
Other names: c.4712G>A, p.Cys1571Tyr (NM_001136029.4); c.4439G>A, p.Cys1480Tyr (NM_001242897.2); c.4673G>A, p.Cys1558Tyr (NM_001363852.2, NM_001364320.2); c.4505G>A, p.Cys1502Tyr (NM_001363854.2, NM_001364319.2); c.4739G>A, p.Cys1580Tyr (NM_001364318.2); c.4655G>A, p.Cys1552Tyr (NM_001369901.1, NM_001369902.1); c.4646G>A, p.Cys1549Tyr (NM_001369903.1, NM_014662.6); short protein forms C1480Y, C1580Y, C1549Y, C1558Y, C1502Y, C1552Y, C1571Y.
Identifiers: ClinVar variation 590124 (VCV000590124.15), dbSNP rs776213050, ClinGen allele CA411293184.

ClinVar aggregate classification (germline): Uncertain significance. Review status: criteria provided, multiple submitters, no conflicts (2 of 4 stars). 2 submissions from 2 submitters: Uncertain significance (2). Last evaluated 2019-11-11.

Conditions:
Inborn genetic diseases. Identifiers: MedGen C0950123, MeSH D030342.
Familial focal epilepsy with variable foci (FPEVF). Identifiers: Orphanet 98820, MedGen C1858477, MONDO:0020310.

Submissions (2):

Labcorp Genetics (formerly Invitae), Labcorp
Classification: Uncertain significance for Familial focal epilepsy with variable foci. Last evaluated: 2019-11-11. Review status: criteria provided, single submitter. Criteria: Invitae Variant Classification Sherloc (09022015). Collection method: clinical testing. Allele origin: germline.
Comment: This variant is not present in population databases (ExAC no frequency). In summary, the available evidence is currently insufficient to determine the role of this variant in disease. Therefore, it has been classified as a Variant of Uncertain Significance. Algorithms developed to predict the effect of missense changes on protein structure and function are either unavailable or do not agree on the potential impact of this missense change (SIFT: "Deleterious"; PolyPhen-2: "Not Available"; Align-GVGD: "Class C0"). This variant has not been reported in the literature in individuals with DEPDC5-related conditions. ClinVar contains an entry for this variant (Variation ID: 590124). This sequence change replaces cysteine with tyrosine at codon 1580 of the DEPDC5 protein (p.Cys1580Tyr). The cysteine residue is highly conserved and there is a large physicochemical difference between cysteine and tyrosine.

Ambry Genetics
Classification: Uncertain significance for Inborn genetic diseases. Last evaluated: 2017-05-05. Review status: criteria provided, single submitter. Criteria: Ambry Variant Classification Scheme 2023. Collection method: clinical testing. Allele origin: germline.
Comment: The p.C1580Y variant (also known as c.4739G>A), located in coding exon 42 of the DEPDC5 gene, results from a G to A substitution at nucleotide position 4739. The cysteine at codon 1580 is replaced by tyrosine, an amino acid with highly dissimilar properties. This amino acid position is highly conserved in available vertebrate species. In addition, this alteration is predicted to be deleterious by in silico analysis. Since supporting evidence is limited at this time, the clinical significance of this alteration remains unclear.